The following is an entry in ClinVar:

NM_007194.4(CHEK2):c.1543-2A>C

Gene: CHEK2 (checkpoint kinase 2; minus strand). Cytogenetic location: 22q12.1.
Variant type: single nucleotide variant.
Coding change: c.1543-2A>C on transcript NM_007194.4 (MANE Select); the canonical splice acceptor site of the intron before coding-DNA position 1543, A replaced by C.
Molecular consequence: splice acceptor variant.
Genome position (GRCh38, 1-based): chr22:28,687,988, T>G on the plus strand (A>C on the coding strand, the complement: CHEK2 is on the minus strand). VCF-style: chr22-28687988-T-G. GRCh37 (hg19) VCF-style: chr22-29083976-T-G.
Other names: c.880-2A>C (NM_001437942.1, NM_001257387.3); c.1342-2A>C (NM_001349956.3); c.1456-2A>C (NM_145862.3); c.1549-2A>C (NM_001438295.1); c.1636-2A>C (NM_001438293.1); c.1585-2A>C (NM_001438294.1); c.1672-2A>C (NM_001005735.3).
Identifiers: ClinVar variation 819509 (VCV000819509.30), dbSNP rs1160973224, ClinGen allele CA411091544.

ClinVar aggregate classification (germline): Likely pathogenic. Review status: criteria provided, multiple submitters, no conflicts (2 of 4 stars). 3 submissions from 3 submitters: Likely pathogenic (2). 1 of the submissions does not count toward it. Last evaluated 2023-04-06.

Conditions:
Familial cancer of breast. Also called: BREAST CANCER, FAMILIAL; Hereditary breast cancer; hereditary breast carcinoma. Identifiers: Orphanet 227535, MedGen C0346153, MONDO:0016419, OMIM 114480. Disease mechanism: loss of function.
Hereditary cancer-predisposing syndrome. Also called: Neoplastic Syndromes, Hereditary; Tumor predisposition; Hereditary Cancer Syndrome; Hereditary neoplastic syndrome. Identifiers: Orphanet 140162, MedGen C0027672, MeSH D009386, MONDO:0015356.

Allele frequency attached by ClinVar (database versions not stated): TOPMed below 0.00001.

Submissions (3):

Ambry Genetics
Classification: Likely pathogenic for Hereditary cancer-predisposing syndrome. Last evaluated: 2023-04-06. Review status: criteria provided, single submitter. Criteria: Ambry Variant Classification Scheme 2023. Collection method: clinical testing. Allele origin: germline.
Comment: The c.1543-2A>C intronic variant results from an A to C substitution two nucleotides upstream from coding exon 14 in the CHEK2 gene. This nucleotide position is highly conserved in available vertebrate species. In silico splice site analysis predicts that this alteration will weaken the native splice acceptor site and will result in the creation or strengthening of a novel splice acceptor site. RNA studies have demonstrated that this alteration results in abnormal splicing in the set of samples tested (Ambry internal data). Alterations that disrupt the canonical splice site are expected to cause aberrant splicing, resulting in an abnormal protein or a transcript that is subject to nonsense-mediated mRNA decay. As such, this alteration is classified as likely pathogenic.

Labcorp Genetics (formerly Invitae), Labcorp
Classification: Likely pathogenic for Familial cancer of breast. Last evaluated: 2023-01-05. Review status: criteria provided, single submitter. Criteria: Invitae Variant Classification Sherloc (09022015). Collection method: clinical testing. Allele origin: germline.
Comment: In summary, the currently available evidence indicates that the variant is pathogenic, but additional data are needed to prove that conclusively. Therefore, this variant has been classified as Likely Pathogenic. This variant disrupts the nuclear localization signal (NLS) of the CHEK2 protein, which is critical for proper nuclear localization (PMID: 18004398, 12909615). While functional studies have not been performed to directly test the effect of this variant on CHEK2 protein function, this suggests that disruption of this region of the protein is causative of disease. Variants that disrupt the consensus splice site are a relatively common cause of aberrant splicing (PMID: 17576681, 9536098). Studies have shown that disruption of this splice site results in skipping of exon 15 and activation of a cryptic splice site and introduces a new termination codon (Invitae). However the mRNA is not expected to undergo nonsense-mediated decay. ClinVar contains an entry for this variant (Variation ID: 819509). This variant has not been reported in the literature in individuals affected with CHEK2-related conditions. This variant is not present in population databases (gnomAD no frequency). This sequence change affects an acceptor splice site in intron 14 of the CHEK2 gene. RNA analysis indicates that disruption of this splice site induces altered splicing and likely disrupts the C-terminus of the protein.

BRCAlab, Lund University
Classification: Likely pathogenic for Familial cancer of breast. Last evaluated: 2022-08-26. Review status: no assertion criteria provided. Collection method: clinical testing. Allele origin: germline. Affected: yes. Not counted in ClinVar's aggregate classification.

Literature cited by the submitters: PubMed 18004398 (cited by Labcorp Genetics (formerly Invitae), Labcorp); PubMed 12909615 (cited by Labcorp Genetics (formerly Invitae), Labcorp); PubMed 17576681 (cited by Labcorp Genetics (formerly Invitae), Labcorp); PubMed 9536098 (cited by Labcorp Genetics (formerly Invitae), Labcorp).